The following is an entry in ClinVar:

NM_013372.7(GREM1):c.138G>C (p.Gln46His)

Gene: GREM1 (gremlin 1, DAN family BMP antagonist; plus strand). Cytogenetic location: 15q13.3.
Variant type: single nucleotide variant.
Coding change: c.138G>C on transcript NM_013372.7 (MANE Select); coding-DNA position 138, G replaced by C.
Protein change: p.Gln46His; replaces glutamine 46 with histidine.
Molecular consequence: missense variant. On other transcripts: intron variant (2).
Genome position (GRCh38, 1-based): chr15:32,730,828, G>C. VCF-style: chr15-32730828-G-C. GRCh37 (hg19) VCF-style: chr15-33023029-G-C.
Other names: c.138G>C, p.Gln46His (NM_001368719.1); c.114+24G>C (NM_001191323.2); c.28-100G>C (NM_001191322.2); short protein forms Q46H.
Identifiers: ClinVar variation 4858188 (VCV004858188.1).
Genomic context (GRCh38, chr15:32,730,828, plus strand): 5'-GAAAGGGTCCCAAGGTGCCATCCCCCCGCCAGACAAGGCCCAGCACAATGACTCAGAGCA[G>C]ACTCAGTCGCCCCAGCAGCCTGGCTCCAGGAACCGGGGGCGGGGCCAAGGGCGGGGCACT-3'
Protein context (NP_037504.1, residues 36-56): PDKAQHNDSE[Gln46His]TQSPQQPGSR

ClinVar aggregate classification (germline): Uncertain significance (1 of 4 stars; one submission).

Conditions:
Hereditary cancer-predisposing syndrome. Also called: Hereditary neoplastic syndrome; Neoplastic Syndromes, Hereditary; Tumor predisposition; Hereditary Cancer Syndrome. Identifiers: Orphanet 140162, MedGen C0027672, MeSH D009386, MONDO:0015356.

gnomAD v4.1: 1 of 1,613,946 alleles (0.000062%); highest among the groups gnomAD compares: East Asian, 0.0022%; no homozygotes.

Submission:

Ambry Genetics
Classification: Uncertain significance for Hereditary cancer-predisposing syndrome. Last evaluated: 2026-04-11. Review status: criteria provided, single submitter. Criteria: Ambry Variant Classification Scheme 2023. Collection method: clinical testing. Allele origin: germline.
Comment: The p.Q46H variant (also known as c.138G>C), located in coding exon 1 of the GREM1 gene, results from a G to C substitution at nucleotide position 138. The glutamine at codon 46 is replaced by histidine, an amino acid with highly similar properties. This amino acid position is conserved. In addition, this alteration is predicted to be tolerated by in silico analysis. Based on the available evidence, the clinical significance of this variant remains unclear.